The following is an entry in ClinVar:

NM_020163.3(SEMA3G):c.891C>G (p.Pro297=)

Gene: SEMA3G (semaphorin 3G; minus strand). Cytogenetic location: 3p21.1.
Variant type: single nucleotide variant.
Coding change: c.891C>G on transcript NM_020163.3 (MANE Select); coding-DNA position 891, C replaced by G.
Protein change: p.Pro297=; no amino-acid change (proline 297 retained).
Molecular consequence: synonymous variant.
Genome position (GRCh38, 1-based): chr3:52,440,971, G>C on the plus strand (C>G on the coding strand, the complement: SEMA3G is on the minus strand). VCF-style: chr3-52440971-G-C. GRCh37 (hg19) VCF-style: chr3-52474987-G-C.
Identifiers: ClinVar variation 3357694 (VCV003357694.1).

ClinVar aggregate classification (germline): Likely benign (0 of 4 stars; one submission).

Conditions:
SEMA3G-related disorder. Also called: SEMA3G-related condition.

Submission:

PreventionGenetics, part of Exact Sciences
Classification: Likely benign for SEMA3G-related condition. Last evaluated: 2024-08-14. Review status: no assertion criteria provided. Collection method: clinical testing. Allele origin: germline.
Comment: This variant is classified as likely benign based on ACMG/AMP sequence variant interpretation guidelines (Richards et al. 2015 PMID: 25741868, with internal and published modifications).